The following is an entry in ClinVar:

ClinVar aggregate classification (germline): Uncertain significance (1 of 4 stars; one submission).

Allele frequency attached by ClinVar (database versions not stated): gnomAD 0.00002.

Submission:

Laboratory for Molecular Medicine, Mass General Brigham Personalized Medicine
Classification: Uncertain significance. Last evaluated: 2016-06-07. Review status: criteria provided, single submitter. Criteria: LMM Criteria. Collection method: clinical testing. Allele origin: germline. Observed: 1 variant allele.
Comment: The c.2481-3C>A variant in STRC has not been previously reported in individuals with hearing loss. Data from large population studies are insufficient to asses s the frequency of this variant in the general population. This variant is loca ted in the 3' splice region. Computational tools do not suggest an impact to spl icing. However, this information is not predictive enough to rule out pathogenic ity. In summary, the clinical significance of the c.2481-3C>A variant is uncerta in.

NM_153700.2(STRC):c.2481-3C>A

Gene: STRC (stereocilin; minus strand). Cytogenetic location: 15q15.3.
Variant type: single nucleotide variant.
Coding change: c.2481-3C>A on transcript NM_153700.2 (MANE Select); 3 bases into the intron before coding-DNA position 2481, C replaced by A.
Molecular consequence: intron variant.
Genome position (GRCh38, 1-based): chr15:43,613,234, G>T on the plus strand (C>A on the coding strand, the complement: STRC is on the minus strand). VCF-style: chr15-43613234-G-T. GRCh37 (hg19) VCF-style: chr15-43905432-G-T.
Identifiers: ClinVar variation 505087 (VCV000505087.5), dbSNP rs1378890067, ClinGen allele CA658798320.
Genomic context (GRCh38, chr15:43,613,234, plus strand): 5'-CAGAGCCTCCTTCTGTTCAGGCCTCATTCCTGGGCTGTAATCCCGGATGGCAGCCAGGCT[G>T]CGAGGAGTCATGGGTCTTAACCCTTTGTCTTCCTCCAAACTGTTTTCCTCTGACCCTCTG-3'